The following is an entry in ClinVar:

NM_000175.5(GPI):c.1238A>G (p.Gln413Arg)

Gene: GPI (glucose-6-phosphate isomerase; plus strand). Cytogenetic location: 19q13.11.
Variant type: single nucleotide variant.
Coding change: c.1238A>G on transcript NM_000175.5 (MANE Select); coding-DNA position 1238, A replaced by G.
Protein change: p.Gln413Arg; replaces glutamine 413 with arginine.
Molecular consequence: missense variant.
Genome position (GRCh38, 1-based): chr19:34,396,626, A>G. VCF-style: chr19-34396626-A-G. GRCh37 (hg19) VCF-style: chr19-34887531-A-G.
Other names: c.1154A>G, p.Gln385Arg (NM_001289790.3); c.1238A>G, p.Gln413Arg (NM_001329909.1, NM_001329910.1, NM_001329911.2); c.1271A>G, p.Gln424Arg (NM_001184722.1); c.1355A>G, p.Gln452Arg (NM_001289789.1); short protein forms Q385R, Q413R, Q424R, Q452R.
Identifiers: ClinVar variation 2572522 (VCV002572522.2), dbSNP rs2513870905, ClinGen allele CA405243707.

ClinVar aggregate classification (germline): Uncertain significance (1 of 4 stars; one submission).

Conditions:
Hemolytic anemia due to glucophosphate isomerase deficiency (CNSHA4). Also called: ANEMIA, CONGENITAL, NONSPHEROCYTIC HEMOLYTIC, 4. Identifiers: Orphanet 712, MedGen C0272064, MONDO:0013275, OMIM 613470.

Submission:

3billion
Classification: Uncertain significance for Hemolytic anemia due to glucophosphate isomerase deficiency. Last evaluated: 2025-11-10. Review status: criteria provided, single submitter. Criteria: ACMG Guidelines, 2015. Collection method: clinical testing. Allele origin: germline. Affected: yes.
Comment: The variant is not observed in the gnomAD v4.1.0 dataset. Predicted Consequence/Location: Missense variant In silico tool predictions suggest damaging effect of the variant on gene or gene product [REVEL: 0.69 (>=0.6, sensitivity 0.68 and specificity 0.92)]. The variant has been reported as of uncertain significance (ClinVar ID: VCV002572522). Therefore, this variant is classified as VUS according to the recommendation of ACMG/AMP guideline.